The following is an entry in ClinVar:

NM_152743.4(BRAT1):c.2323A>G (p.Met775Val)

Gene: BRAT1 (BRCA1 associated ATM activator 1; minus strand). Cytogenetic location: 7p22.3.
Variant type: single nucleotide variant.
Coding change: c.2323A>G on transcript NM_152743.4 (MANE Select); coding-DNA position 2323, A replaced by G.
Protein change: p.Met775Val; replaces methionine 775 with valine.
Molecular consequence: missense variant. On other transcripts: non-coding transcript variant (1).
Genome position (GRCh38, 1-based): chr7:2,538,212, T>C on the plus strand (A>G on the coding strand, the complement: BRAT1 is on the minus strand). VCF-style: chr7-2538212-T-C. GRCh37 (hg19) VCF-style: chr7-2577846-T-C.
Other names: c.2503A>G, p.Met835Val (NM_001350626.2); c.1798A>G, p.Met600Val (NM_001350627.2); short protein forms M600V, M775V, M835V.
Identifiers: ClinVar variation 842958 (VCV000842958.7), dbSNP rs1778833582, ClinGen allele CA366623136.

ClinVar aggregate classification (germline): Uncertain significance (1 of 4 stars; one submission).

Conditions:
Neonatal-onset encephalopathy with rigidity and seizures. Also called: Lethal neonatal spasticity-epileptic encephalopathy syndrome. Identifiers: Orphanet 435845, MedGen C3281029, MONDO:0013784, OMIM 614498.

Allele frequency attached by ClinVar (database versions not stated): gnomAD exomes below 0.00001.
gnomAD v4.1: 2 of 1,609,900 alleles (0.00012%); highest among the groups gnomAD compares: African/African-American, 0.0013%; no homozygotes.

Submission:

Labcorp Genetics (formerly Invitae), Labcorp
Classification: Uncertain significance for Neonatal-onset encephalopathy with rigidity and seizures. Last evaluated: 2021-08-27. Review status: criteria provided, single submitter. Criteria: Invitae Variant Classification Sherloc (09022015). Collection method: clinical testing. Allele origin: germline.
Comment: This sequence change replaces methionine with valine at codon 775 of the BRAT1 protein (p.Met775Val). The methionine residue is weakly conserved and there is a small physicochemical difference between methionine and valine. This variant is not present in population databases (ExAC no frequency). This variant has not been reported in the literature in individuals affected with BRAT1-related conditions. Algorithms developed to predict the effect of missense changes on protein structure and function output the following: SIFT: "Tolerated"; PolyPhen-2: "Benign"; Align-GVGD: "Class C0". The valine amino acid residue is found in multiple mammalian species, which suggests that this missense change does not adversely affect protein function. In summary, the available evidence is currently insufficient to determine the role of this variant in disease. Therefore, it has been classified as a Variant of Uncertain Significance.